The following is an entry in ClinVar:

ClinVar aggregate classification (germline): Uncertain significance (1 of 4 stars; one submission).

Submission:

Labcorp Genetics (formerly Invitae), Labcorp
Classification: Uncertain significance. Last evaluated: 2025-08-11. Review status: criteria provided, single submitter. Criteria: Invitae Variant Classification Sherloc (09022015). Collection method: clinical testing. Allele origin: germline.
Comment: This sequence change replaces proline, which is neutral and non-polar, with threonine, which is neutral and polar, at codon 114 of the MAGEL2 protein (p.Pro114Thr). This variant is not present in population databases (gnomAD no frequency). This variant has not been reported in the literature in individuals affected with MAGEL2-related conditions. ClinVar contains an entry for this variant (Variation ID: 3670108). Experimental studies and prediction algorithms are not available or were not evaluated, and the functional significance of this variant is currently unknown. In summary, the available evidence is currently insufficient to determine the role of this variant in disease. Therefore, it has been classified as a Variant of Uncertain Significance.

NM_019066.5(MAGEL2):c.340C>A (p.Pro114Thr)

Gene: MAGEL2 (MAGE family member L2; minus strand). Cytogenetic location: 15q11.2.
Variant type: single nucleotide variant.
Coding change: c.340C>A on transcript NM_019066.5 (MANE Select); coding-DNA position 340, C replaced by A.
Protein change: p.Pro114Thr; replaces proline 114 with threonine.
Molecular consequence: missense variant.
Genome position (GRCh38, 1-based): chr15:23,647,403, G>T on the plus strand (C>A on the coding strand, the complement: MAGEL2 is on the minus strand). VCF-style: chr15-23647403-G-T. GRCh37 (hg19) VCF-style: chr15-23892550-G-T.
Other names: short protein forms P114T.
Identifiers: ClinVar variation 3670108 (VCV003670108.2).